The following is an entry in ClinVar:

NM_022124.6(CDH23):c.280G>C (p.Asp94His)

Genes: CDH23-AS1 (CDH23 antisense RNA 1; minus strand), CDH23 (cadherin related 23; plus strand). Cytogenetic location: 10q22.1.
Variant type: single nucleotide variant.
Coding change: c.280G>C on transcript NM_022124.6 (MANE Select); coding-DNA position 280, G replaced by C.
Protein change: p.Asp94His; replaces aspartic acid 94 with histidine.
Molecular consequence: missense variant.
Genome position (GRCh38, 1-based): chr10:71,510,216, G>C. VCF-style: chr10-71510216-G-C. GRCh37 (hg19) VCF-style: chr10-73269973-G-C.
Other names: c.280G>C, p.Asp94His (NM_001171930.2, NM_001171931.2, NM_001171932.2 and 1 more transcripts); short protein forms D94H.
Identifiers: ClinVar variation 2584918 (VCV002584918.1), dbSNP rs2493190592, ClinGen allele CA377114662.

ClinVar aggregate classification (germline): Uncertain significance (1 of 4 stars; one submission).

Conditions:
Autosomal recessive nonsyndromic hearing loss 12. Also called: DEAFNESS, AUTOSOMAL RECESSIVE 12. Identifiers: Orphanet 90636, MedGen C1832394, MONDO:0011067, OMIM 601386.

Submission:

Neuberg Centre For Genomic Medicine, NCGM
Classification: Uncertain significance for Autosomal recessive nonsyndromic hearing loss 12. Review status: criteria provided, single submitter. Criteria: ACMG Guidelines, 2015. Collection method: clinical testing. Allele origin: germline. Inheritance: Autosomal recessive inheritance. Affected: yes.
Comment: The c.280G>C (p.Asp94His) missense variant in CDH23 gene has not been reported previously as a pathogenic variant nor as a benign variant, to our knowledge. The p.Asp94His variant is novel (not in any individuals) in gnomAD Exomes and 1000 Genomes. The amino acid Asp at position 94 is changed to a His changing protein sequence and it might alter its composition and physico-chemical properties. For these reasons, this variant has been classified as Variant of Uncertain Significance (VUS).